The following is an entry in ClinVar:

NM_000519.4(HBD):c.316-5C>T

Gene: HBD (hemoglobin subunit delta; minus strand). Cytogenetic location: 11p15.4.
Variant type: single nucleotide variant.
Coding change: c.316-5C>T on transcript NM_000519.4 (MANE Select); 5 bases into the intron before coding-DNA position 316, C replaced by T.
Molecular consequence: intron variant.
Genome position (GRCh38, 1-based): chr11:5,233,097, G>A on the plus strand (C>T on the coding strand, the complement: HBD is on the minus strand). VCF-style: chr11-5233097-G-A. GRCh37 (hg19) VCF-style: chr11-5254327-G-A.
Identifiers: ClinVar variation 1163918 (VCV001163918.7), dbSNP rs35769679, ClinGen allele CA5839909.

ClinVar aggregate classification (germline): Uncertain significance. Review status: criteria provided, single submitter (1 of 4 stars). 2 submissions from 2 submitters: Uncertain significance (1). 1 of the submissions does not count toward it. Last evaluated 2021-01-05.

Conditions:
HBD-related disorder. Also called: HBD-related condition; HBD-Related Disorders.

Allele frequency attached by ClinVar (database versions not stated): ESP Exome Variant Server 0.00008; gnomAD exomes 0.00015 and 0.00020; TOPMed 0.00015; gnomAD 0.00020 and 0.00021; ExAC 0.00026.
gnomAD v4.1: 246 of 1,613,680 alleles (0.015%); highest among the groups gnomAD compares: Non-Finnish European, 0.017%; no homozygotes.

Submissions (2):

Mayo Clinic Laboratories, Mayo Clinic
Classification: Uncertain significance. Last evaluated: 2021-01-05. Review status: criteria provided, single submitter. Criteria: ACMG Guidelines, 2015. Collection method: clinical testing. Allele origin: germline. Observed: 1 variant allele.

PreventionGenetics, part of Exact Sciences
Classification: Likely benign for HBD-related condition. Last evaluated: 2020-02-21. Review status: no assertion criteria provided. Collection method: clinical testing. Allele origin: germline. Not counted in ClinVar's aggregate classification.
Comment: This variant is classified as likely benign based on ACMG/AMP sequence variant interpretation guidelines (Richards et al. 2015 PMID: 25741868, with internal and published modifications).